The following is an entry in ClinVar:

ClinVar aggregate classification (germline): Likely benign (0 of 4 stars; one submission).

Conditions:
EP400-related disorder. Also called: EP400-related condition.

Allele frequency attached by ClinVar (database versions not stated): 1000 Genomes Project 0.00020; ESP Exome Variant Server 0.00023; gnomAD exomes 0.00037; gnomAD 0.00041; ExAC 0.00042; TOPMed 0.00048.
gnomAD v4.1: 629 of 1,613,644 alleles (0.039%); highest among the groups gnomAD compares: Middle Eastern, 0.099%; 3 homozygotes.

Submission:

PreventionGenetics, part of Exact Sciences
Classification: Likely benign for EP400-related condition. Last evaluated: 2019-02-18. Review status: no assertion criteria provided. Collection method: clinical testing. Allele origin: germline.
Comment: This variant is classified as likely benign based on ACMG/AMP sequence variant interpretation guidelines (Richards et al. 2015 PMID: 25741868, with internal and published modifications).

NM_015409.5(EP400):c.5913C>T (p.Cys1971=)

Gene: EP400 (E1A binding protein p400; plus strand). Cytogenetic location: 12q24.33.
Variant type: single nucleotide variant.
Coding change: c.5913C>T on transcript NM_015409.5 (MANE Select); coding-DNA position 5913, C replaced by T.
Protein change: p.Cys1971=; no amino-acid change (cysteine 1971 retained).
Molecular consequence: synonymous variant.
Genome position (GRCh38, 1-based): chr12:132,032,111, C>T. VCF-style: chr12-132032111-C-T. GRCh37 (hg19) VCF-style: chr12-132516656-C-T.
Identifiers: ClinVar variation 3052060 (VCV003052060.2), dbSNP rs200733426, ClinGen allele CA6886237.